The following is an entry in ClinVar:

NM_001039141.3(TRIOBP):c.5788C>T (p.Arg1930Trp)

Gene: TRIOBP (TRIO and F-actin binding protein; plus strand). Cytogenetic location: 22q13.1.
Variant type: single nucleotide variant.
Coding change: c.5788C>T on transcript NM_001039141.3 (MANE Select); coding-DNA position 5788, C replaced by T.
Protein change: p.Arg1930Trp; replaces arginine 1930 with tryptophan.
Molecular consequence: missense variant.
Genome position (GRCh38, 1-based): chr22:37,757,713, C>T. VCF-style: chr22-37757713-C-T. GRCh37 (hg19) VCF-style: chr22-38153720-C-T.
Other names: c.649C>T, p.Arg217Trp (NM_007032.5, NM_138632.2); short protein forms R1930W, R217W.
Identifiers: ClinVar variation 1120108 (VCV001120108.10), dbSNP rs142769400, ClinGen allele CA10224815.

ClinVar aggregate classification (germline): Uncertain significance. Review status: criteria provided, multiple submitters, no conflicts (2 of 4 stars). 3 submissions from 3 submitters: Uncertain significance (3). Last evaluated 2025-04-15.

Conditions:
Inborn genetic diseases. Identifiers: MedGen C0950123, MeSH D030342.

Allele frequency attached by ClinVar (database versions not stated): gnomAD 0.00016 and 0.00017; gnomAD exomes 0.00003 and 0.00004; ESP Exome Variant Server 0.00015; ExAC 0.00025; TOPMed 0.00017.
gnomAD v4.1: 63 of 1,579,562 alleles (0.004%); highest among the groups gnomAD compares: African/African-American, 0.042%; no homozygotes.

Submissions (3):

Ambry Genetics
Classification: Uncertain significance for Inborn genetic diseases. Last evaluated: 2025-04-15. Review status: criteria provided, single submitter. Criteria: Ambry Variant Classification Scheme 2023. Collection method: clinical testing. Allele origin: germline.

GeneDx
Classification: Uncertain significance. Last evaluated: 2023-01-31. Review status: criteria provided, single submitter. Criteria: GeneDx Variant Classification Process June 2021. Collection method: clinical testing. Allele origin: germline. Affected: yes.
Comment: In silico analysis, which includes protein predictors and evolutionary conservation, supports a deleterious effect; Has not been previously published as pathogenic or benign to our knowledge

Laboratory for Molecular Medicine, Mass General Brigham Personalized Medicine
Classification: Uncertain significance. Last evaluated: 2021-01-14. Review status: criteria provided, single submitter. Criteria: LMM Criteria. Collection method: clinical testing. Allele origin: germline. Observed: 1 variant allele.
Comment: proposed classification - variant undergoing re-assessment, contact laboratory